The following is an entry in ClinVar:

NM_020207.7(ERCC6L2):c.1291T>G (p.Cys431Gly)

Gene: ERCC6L2 (ERCC excision repair 6 like 2; plus strand). Cytogenetic location: 9q22.32.
Variant type: single nucleotide variant.
Coding change: c.1291T>G on transcript NM_020207.7 (MANE Select); coding-DNA position 1291, T replaced by G.
Protein change: p.Cys431Gly; replaces cysteine 431 with glycine.
Molecular consequence: missense variant. On other transcripts: non-coding transcript variant (1).
Genome position (GRCh38, 1-based): chr9:95,921,307, T>G. VCF-style: chr9-95921307-T-G. GRCh37 (hg19) VCF-style: chr9-98683589-T-G.
Other names: c.1291T>G, p.Cys431Gly (NM_001010895.4, NM_001375291.1, NM_001375292.1 and 2 more transcripts); short protein forms C431G.
Identifiers: ClinVar variation 2969866 (VCV002969866.5), dbSNP rs1829859582, ClinGen allele CA374124019.

ClinVar aggregate classification (germline): Uncertain significance. Review status: criteria provided, multiple submitters, no conflicts (2 of 4 stars). 2 submissions from 2 submitters: Uncertain significance (2). Last evaluated 2025-12-15.

Conditions:
Inborn genetic diseases. Identifiers: MedGen C0950123, MeSH D030342.

Submissions (2):

Ambry Genetics
Classification: Uncertain significance for Inborn genetic diseases. Last evaluated: 2025-12-15. Review status: criteria provided, single submitter. Criteria: Ambry Variant Classification Scheme 2023. Collection method: clinical testing. Allele origin: germline.

Labcorp Genetics (formerly Invitae), Labcorp
Classification: Uncertain significance. Last evaluated: 2023-06-16. Review status: criteria provided, single submitter. Criteria: Invitae Variant Classification Sherloc (09022015). Collection method: clinical testing. Allele origin: germline.
Comment: This sequence change replaces cysteine, which is neutral and slightly polar, with glycine, which is neutral and non-polar, at codon 442 of the ERCC6L2 protein (p.Cys442Gly). This variant is not present in population databases (gnomAD no frequency). This variant has not been reported in the literature in individuals affected with ERCC6L2-related conditions. Experimental studies and prediction algorithms are not available or were not evaluated, and the functional significance of this variant is currently unknown. In summary, the available evidence is currently insufficient to determine the role of this variant in disease. Therefore, it has been classified as a Variant of Uncertain Significance.